The following is an entry in ClinVar:

ClinVar aggregate classification (germline): Pathogenic (1 of 4 stars; one submission).

Conditions:
Neurofibromatosis, type 1 (NF1). Also called: Peripheral type neurofibromatosis; NEUROFIBROMATOSIS, TYPE I, SOMATIC; VON RECKLINGHAUSEN DISEASE; Neurofibromatosis, type I. Identifiers: Orphanet 636, MedGen C0027831, MONDO:0018975, OMIM 162200. Disease mechanism: loss of function.

Submission:

Labcorp Genetics (formerly Invitae), Labcorp
Classification: Pathogenic for Neurofibromatosis, type 1. Last evaluated: 2024-04-10. Review status: criteria provided, single submitter. Criteria: Invitae Variant Classification Sherloc (09022015). Collection method: clinical testing. Allele origin: germline.
Comment: This sequence change creates a premature translational stop signal (p.Tyr1369Leufs*5) in the NF1 gene. It is expected to result in an absent or disrupted protein product. Loss-of-function variants in NF1 are known to be pathogenic (PMID: 10712197, 23913538). This variant is not present in population databases (gnomAD no frequency). This variant has not been reported in the literature in individuals affected with NF1-related conditions. For these reasons, this variant has been classified as Pathogenic.

Literature cited by the submitters: PubMed 10712197; PubMed 23913538.

NM_001042492.3(NF1):c.4105dup (p.Tyr1369fs)

Gene: NF1 (neurofibromin 1; plus strand). Cytogenetic location: 17q11.2.
Variant type: Duplication.
Coding change: c.4105dup on transcript NM_001042492.3 (MANE Select); coding-DNA position 4105, one base duplicated (T; older notation c.4105dupT).
Protein change: p.Tyr1369fs; shifts the reading frame from tyrosine 1369.
Molecular consequence: frameshift variant.
Genome position (GRCh38, 1-based): chr17:31,249,114, T duplicated. VCF-style (leftmost placement, unchanged base first): chr17-31249113-A-AT. GRCh37 (hg19) VCF-style: chr17-29576131-A-AT.
Other names: c.4105dup, p.Tyr1369Leufs (NM_000267.4); short protein forms Y1369fs.
Identifiers: ClinVar variation 2744803 (VCV002744803.3), dbSNP rs2508352971, ClinGen allele CA2697559775.